The following is an entry in ClinVar:

NM_018122.5(DARS2):c.155A>G (p.Asn52Ser)

Gene: DARS2 (aspartyl-tRNA synthetase 2, mitochondrial; plus strand). Cytogenetic location: 1q25.1.
Variant type: single nucleotide variant.
Coding change: c.155A>G on transcript NM_018122.5 (MANE Select); coding-DNA position 155, A replaced by G.
Protein change: p.Asn52Ser; replaces asparagine 52 with serine.
Molecular consequence: missense variant.
Genome position (GRCh38, 1-based): chr1:173,826,714, A>G. VCF-style: chr1-173826714-A-G. GRCh37 (hg19) VCF-style: chr1-173795852-A-G.
Other names: NM_001365213.2:c.155A>G; c.155A>G, p.Asn52Ser (NM_001365212.1, NM_001365213.2); short protein forms N52S.
Identifiers: ClinVar variation 3776805 (VCV003776805.1).

ClinVar aggregate classification (germline): Uncertain significance (1 of 4 stars; one submission).

Conditions:
Leukoencephalopathy with brain stem and spinal cord involvement-high lactate syndrome (LBSL). Also called: Leukoencephalopathy with Brainstem and Spinal Cord Involvement and Lactate Elevation; MITOCHONDRIAL ASPARTYL-tRNA SYNTHETASE DEFICIENCY; LEUKOENCEPHALOPATHY WITH BRAINSTEM AND SPINAL CORD INVOLVEMENT AND LACTATE ELEVATION, MILD. Identifiers: Orphanet 137898, MedGen C1970180, MONDO:0012622, OMIM 611105.

gnomAD v4.1: 1 of 1,612,222 alleles (0.000062%); highest among the groups gnomAD compares: Admixed American, 0.0017%; no homozygotes.

Submission:

Broad Center for Mendelian Genomics, Broad Institute of MIT and Harvard
Classification: Uncertain significance for Leukoencephalopathy with brain stem and spinal cord involvement-high lactate syndrome. Last evaluated: 2025-01-15. Review status: criteria provided, single submitter. Criteria: ACMG Guidelines, 2015. Collection method: curation. Allele origin: germline. Inheritance: Autosomal recessive inheritance.
Comment: The p.Asn52Ser variant in DARS2 has been reported, in the compound heterozygous state, in 1 individual with leukoencephalopathy with brain stem and spinal cord involvement-high lactate syndrome (PMID: 24566671), and has been identified in 0.0002% (1/59850) of Latino/Admixed American chromosomes by the Genome Aggregation Database (gnomAD; dbSNP rs768418499). Although this variant has been seen in the general population in a heterozygous state, its frequency is low enough to be consistent with a recessive carrier frequency. Computational prediction tools and conservation analyses suggest that this variant may impact the protein, though this information is not predictive enough to determine pathogenicity. In summary, the clinical significance of the p.Asn52Ser variant is uncertain. ACMG/AMP Criteria applied: PP3_moderate, PM2_supporting, PM3 (Richards 2015).